The following is an entry in ClinVar:

NM_004415.4(DSP):c.6208G>C (p.Asp2070His)

Gene: DSP (desmoplakin; plus strand). Cytogenetic location: 6p24.3.
Variant type: single nucleotide variant.
Coding change: c.6208G>C on transcript NM_004415.4 (MANE Select); coding-DNA position 6208, G replaced by C.
Protein change: p.Asp2070His; replaces aspartic acid 2070 with histidine.
Molecular consequence: missense variant.
Genome position (GRCh38, 1-based): chr6:7,583,470, G>C. VCF-style: chr6-7583470-G-C. GRCh37 (hg19) VCF-style: chr6-7583703-G-C.
Other names: c.4411G>C, p.Asp1471His (NM_001008844.3); c.4879G>C, p.Asp1627His (NM_001319034.2); short protein forms D1627H, D2070H, D1471H.
Identifiers: ClinVar variation 2937563 (VCV002937563.4), dbSNP rs41302885, ClinGen allele CA133974520.

ClinVar aggregate classification (germline): Uncertain significance. Review status: criteria provided, multiple submitters, no conflicts (2 of 4 stars). 2 submissions from 2 submitters: Uncertain significance (2). Last evaluated 2023-12-18.

Conditions:
Arrhythmogenic right ventricular dysplasia 8 (ARVD8). Also called: Arrhythmogenic Right Ventricular Dysplasia/Cardiomyopathy 8; ARRHYTHMOGENIC RIGHT VENTRICULAR DYSPLASIA, FAMILIAL, 8; ARRHYTHMOGENIC RIGHT VENTRICULAR CARDIOMYOPATHY 8. Identifiers: MedGen C1843896, MONDO:0011831, OMIM 607450.
Arrhythmogenic cardiomyopathy with wooly hair and keratoderma. Also called: PALMOPLANTAR KERATODERMA WITH LEFT VENTRICULAR CARDIOMYOPATHY AND WOOLLY HAIR; Carvajal syndrome; Dilated cardiomyopathy with woolly hair and keratoderma; Arrhythmogenic cardiomyopathy with woolly hair and keratoderma. Identifiers: Orphanet 65282, MedGen C1854063, MONDO:0011581, OMIM 605676.

gnomAD v4.1: 2 of 1,614,032 alleles (0.00012%); highest among the groups gnomAD compares: African/African-American, 0.0027%; no homozygotes.

Submissions (2):

All of Us Research Program, National Institutes of Health
Classification: Uncertain significance for Arrhythmogenic cardiomyopathy with wooly hair and keratoderma. Last evaluated: 2023-12-18. Review status: criteria provided, single submitter. Criteria: ACMG Guidelines, 2015. Collection method: clinical testing. Allele origin: germline. Inheritance: Autosomal dominant inheritance. Observed: 1 variant allele, 1 heterozygote.
Comment: This missense variant replaces aspartic acid with histidine at codon 2070 of the DSP protein. Computational prediction is inconclusive regarding the impact of this variant on protein structure and function (internally defined REVEL score threshold 0.5 < inconclusive < 0.7, PMID: 27666373). To our knowledge, functional studies have not been reported for this variant. This variant has not been identified in the general population by the Genome Aggregation Database (gnomAD). The available evidence is insufficient to determine the role of this variant in disease conclusively. Therefore, this variant is classified as a Variant of Uncertain Significance.

This study involves interpretation of variants in research participants for the purpose of population health screening. Participant phenotype was not available at the time of variant classification. Additional details can be found in publication PMID: 35346344, PMCID: PMC8962531

Labcorp Genetics (formerly Invitae), Labcorp
Classification: Uncertain significance for Arrhythmogenic cardiomyopathy with wooly hair and keratoderma; Arrhythmogenic right ventricular dysplasia 8. Last evaluated: 2023-03-13. Review status: criteria provided, single submitter. Criteria: Invitae Variant Classification Sherloc (09022015). Collection method: clinical testing. Allele origin: germline.
Comment: This variant is not present in population databases (gnomAD no frequency). This sequence change replaces aspartic acid, which is acidic and polar, with histidine, which is basic and polar, at codon 2070 of the DSP protein (p.Asp2070His). This variant has not been reported in the literature in individuals affected with DSP-related conditions. In summary, the available evidence is currently insufficient to determine the role of this variant in disease. Therefore, it has been classified as a Variant of Uncertain Significance. An algorithm developed to predict the effect of missense changes on protein structure and function (PolyPhen-2) suggests that this variant is likely to be disruptive.

Literature cited by the submitters: PubMed 33652732 (cited by All of Us Research Program, National Institutes of Health).